The following is an entry in ClinVar:

ClinVar aggregate classification (germline): Uncertain significance (1 of 4 stars; one submission).

Submission:

Labcorp Genetics (formerly Invitae), Labcorp
Classification: Uncertain significance. Last evaluated: 2022-10-07. Review status: criteria provided, single submitter. Criteria: Invitae Variant Classification Sherloc (09022015). Collection method: clinical testing. Allele origin: germline.
Comment: Algorithms developed to predict the effect of missense changes on protein structure and function are either unavailable or do not agree on the potential impact of this missense change (SIFT: "Not Available"; PolyPhen-2: "Probably Damaging"; Align-GVGD: "Not Available"). This variant has not been reported in the literature in individuals affected with RIPK1-related conditions. This variant is not present in population databases (gnomAD no frequency). This sequence change replaces methionine, which is neutral and non-polar, with threonine, which is neutral and polar, at codon 193 of the RIPK1 protein (p.Met193Thr). In summary, the available evidence is currently insufficient to determine the role of this variant in disease. Therefore, it has been classified as a Variant of Uncertain Significance.

NM_001354930.2(RIPK1):c.578T>C (p.Met193Thr)

Gene: RIPK1 (receptor interacting serine/threonine kinase 1; plus strand). Cytogenetic location: 6p25.2.
Variant type: single nucleotide variant.
Coding change: c.578T>C on transcript NM_001354930.2 (MANE Select); coding-DNA position 578, T replaced by C.
Protein change: p.Met193Thr; replaces methionine 193 with threonine.
Molecular consequence: missense variant.
Genome position (GRCh38, 1-based): chr6:3,083,203, T>C. VCF-style: chr6-3083203-T-C. GRCh37 (hg19) VCF-style: chr6-3083437-T-C.
Other names: c.89T>C, p.Met30Thr (NM_001354932.2, NM_001354933.2, NM_001354934.2 and 1 more transcripts); c.578T>C, p.Met193Thr (NM_003804.6); c.440T>C, p.Met147Thr (NM_001354931.2); short protein forms M147T, M193T, M30T.
Identifiers: ClinVar variation 1721164 (VCV001721164.5), dbSNP rs2533199675, ClinGen allele CA362579221.